The following is an entry in ClinVar:

ClinVar aggregate classification (germline): Uncertain significance (1 of 4 stars; one submission).

Allele frequency attached by ClinVar (database versions not stated): ExAC below 0.00001; gnomAD exomes below 0.00001; TOPMed 0.00001.
gnomAD v4.1: 1 of 1,462,822 alleles (0.000068%); highest among the groups gnomAD compares: Non-Finnish European, 0.000091%; no homozygotes.

Submission:

Labcorp Genetics (formerly Invitae), Labcorp
Classification: Uncertain significance. Last evaluated: 2022-02-04. Review status: criteria provided, single submitter. Criteria: Invitae Variant Classification Sherloc (09022015). Collection method: clinical testing. Allele origin: germline.
Comment: This sequence change replaces proline, which is neutral and non-polar, with serine, which is neutral and polar, at codon 1321 of the TONSL protein (p.Pro1321Ser). This variant is not present in population databases (gnomAD no frequency). This variant has not been reported in the literature in individuals affected with TONSL-related conditions. ClinVar contains an entry for this variant (Variation ID: 1037317). Algorithms developed to predict the effect of missense changes on protein structure and function are either unavailable or do not agree on the potential impact of this missense change (SIFT: "Tolerated"; PolyPhen-2: "Possibly Damaging"; Align-GVGD: "Class C0"). In summary, the available evidence is currently insufficient to determine the role of this variant in disease. Therefore, it has been classified as a Variant of Uncertain Significance.

NM_013432.5(TONSL):c.3961C>T (p.Pro1321Ser)

Gene: TONSL (tonsoku like, DNA repair protein; minus strand). Cytogenetic location: 8q24.3.
Variant type: single nucleotide variant.
Coding change: c.3961C>T on transcript NM_013432.5 (MANE Select); coding-DNA position 3961, C replaced by T.
Protein change: p.Pro1321Ser; replaces proline 1321 with serine.
Molecular consequence: missense variant.
Genome position (GRCh38, 1-based): chr8:144,429,319, G>A on the plus strand (C>T on the coding strand, the complement: TONSL is on the minus strand). VCF-style: chr8-144429319-G-A. GRCh37 (hg19) VCF-style: chr8-145654702-G-A.
Other names: short protein forms P1321S.
Identifiers: ClinVar variation 1037317 (VCV001037317.2), dbSNP rs782658224, ClinGen allele CA4942321.